The following is an entry in ClinVar:

NM_152703.5(SAMD9L):c.2503A>T (p.Ile835Phe)

Gene: SAMD9L (sterile alpha motif domain containing 9 like; minus strand). Cytogenetic location: 7q21.2.
Variant type: single nucleotide variant.
Coding change: c.2503A>T on transcript NM_152703.5 (MANE Select); coding-DNA position 2503, A replaced by T.
Protein change: p.Ile835Phe; replaces isoleucine 835 with phenylalanine.
Molecular consequence: missense variant.
Genome position (GRCh38, 1-based): chr7:93,133,469, T>A on the plus strand (A>T on the coding strand, the complement: SAMD9L is on the minus strand). VCF-style: chr7-93133469-T-A. GRCh37 (hg19) VCF-style: chr7-92762782-T-A.
Other names: c.2503A>T, p.Ile835Phe (NM_001303496.3, NM_001303497.3, NM_001303498.3 and 5 more transcripts); short protein forms I835F.
Identifiers: ClinVar variation 3792449 (VCV003792449.1).
Genomic context (GRCh38, chr7:93,133,469, plus strand): 5'-TACTGTCTGCCAATTTTGCACTTTCATCTGGATTCCGGGATCTCATGCAGTTTAAGATAA[T>A]TACCAATGTTTTTTCATATCGCAAATCCTTTTCTGCTAAAACGGAATGGATGGCATTTTG-3'
Protein context (NP_689916.2, residues 825-845): KDLRYEKTLV[Ile835Phe]ILNCMRSRNP

ClinVar aggregate classification (germline): Uncertain significance (1 of 4 stars; one submission).

Conditions:
Inborn genetic diseases. Identifiers: MedGen C0950123, MeSH D030342.

Submission:

Ambry Genetics
Classification: Uncertain significance for Inborn genetic diseases. Last evaluated: 2025-02-23. Review status: criteria provided, single submitter. Criteria: Ambry Variant Classification Scheme 2023. Collection method: clinical testing. Allele origin: germline.
Comment: The p.I835F variant (also known as c.2503A>T), located in coding exon 1 of the SAMD9L gene, results from an A to T substitution at nucleotide position 2503. The isoleucine at codon 835 is replaced by phenylalanine, an amino acid with highly similar properties. This amino acid position is conserved. In addition, the in silico prediction for this alteration is inconclusive. Based on the available evidence, the clinical significance of this variant remains unclear.